The following is an entry in ClinVar:

NM_001101362.3(KBTBD13):c.1372C>T (p.Leu458=)

Gene: KBTBD13 (kelch repeat and BTB domain containing 13; plus strand). Cytogenetic location: 15q22.31.
Variant type: single nucleotide variant.
Coding change: c.1372C>T on transcript NM_001101362.3 (MANE Select); coding-DNA position 1372, C replaced by T.
Protein change: p.Leu458=; no amino-acid change (leucine 458 retained).
Molecular consequence: synonymous variant.
Genome position (GRCh38, 1-based): chr15:65,078,187, C>T. VCF-style: chr15-65078187-C-T. GRCh37 (hg19) VCF-style: chr15-65370525-C-T.
Identifiers: ClinVar variation 512020 (VCV000512020.12), dbSNP rs959915743, ClinGen allele CA271505060.

ClinVar aggregate classification (germline): Likely benign. Review status: criteria provided, multiple submitters, no conflicts (2 of 4 stars). 3 submissions from 3 submitters: Likely benign (3). Last evaluated 2025-12-15.

Conditions:
Nemaline myopathy 6 (NEM6). Also called: Nemaline myopathy 6, autosomal dominant. Identifiers: Orphanet 171439, MedGen C1836472, MONDO:0012237, OMIM 609273.
KBTBD13-related disorder. Also called: KBTBD13-related condition.

Allele frequency attached by ClinVar (database versions not stated): gnomAD exomes 0.00001 and 0.00002; gnomAD 0.00016 and 0.00019; TOPMed 0.00020.
gnomAD v4.1: 38 of 1,538,664 alleles (0.0025%); highest among the groups gnomAD compares: African/African-American, 0.048%; no homozygotes.

Submissions (3):

Labcorp Genetics (formerly Invitae), Labcorp
Classification: Likely benign for Nemaline myopathy 6. Last evaluated: 2025-12-15. Review status: criteria provided, single submitter. Criteria: Invitae Variant Classification Sherloc (09022015). Collection method: clinical testing. Allele origin: germline.

PreventionGenetics, part of Exact Sciences
Classification: Likely benign for KBTBD13-related condition. Last evaluated: 2025-02-08. Review status: criteria provided, single submitter. Criteria: ACMG Guidelines, 2015. Collection method: clinical testing. Allele origin: germline.
Comment: This variant is classified as likely benign based on ACMG/AMP sequence variant interpretation guidelines (Richards et al. 2015 PMID: 25741868, with internal and published modifications).

GeneDx
Classification: Likely benign. Last evaluated: 2017-09-14. Review status: criteria provided, single submitter. Criteria: GeneDx Variant Classification (06012015). Collection method: clinical testing. Allele origin: germline. Affected: yes.
Comment: This variant is considered likely benign or benign based on one or more of the following criteria: it is a conservative change, it occurs at a poorly conserved position in the protein, it is predicted to be benign by multiple in silico algorithms, and/or has population frequency not consistent with disease.